The following is an entry in ClinVar:

ClinVar aggregate classification (germline): Likely benign (0 of 4 stars; one submission).

Conditions:
MYO18B-related disorder. Also called: MYO18B-related condition.

gnomAD v4.1: 1 of 1,613,234 alleles (0.000062%); no homozygotes.

Submission:

PreventionGenetics, part of Exact Sciences
Classification: Likely benign for MYO18B-related condition. Last evaluated: 2023-11-06. Review status: no assertion criteria provided. Collection method: clinical testing. Allele origin: germline.
Comment: This variant is classified as likely benign based on ACMG/AMP sequence variant interpretation guidelines (Richards et al. 2015 PMID: 25741868, with internal and published modifications).

NM_032608.7(MYO18B):c.6470+8T>C

Gene: MYO18B (myosin XVIIIB; plus strand). Cytogenetic location: 22q12.1.
Variant type: single nucleotide variant.
Coding change: c.6470+8T>C on transcript NM_032608.7 (MANE Select); 8 bases into the intron after coding-DNA position 6470, T replaced by C.
Molecular consequence: intron variant.
Genome position (GRCh38, 1-based): chr22:26,004,863, T>C. VCF-style: chr22-26004863-T-C. GRCh37 (hg19) VCF-style: chr22-26400829-T-C.
Other names: c.6473+8T>C (NM_001318245.2).
Identifiers: ClinVar variation 3030844 (VCV003030844.2), dbSNP rs937528447, ClinGen allele CA322801844.